The following is an entry in ClinVar:

NM_006231.4(POLE):c.6658-88G>A

Gene: POLE (DNA polymerase epsilon, catalytic subunit; minus strand). Cytogenetic location: 12q24.33.
Variant type: single nucleotide variant.
Coding change: c.6658-88G>A on transcript NM_006231.4 (MANE Select); 88 bases into the intron before coding-DNA position 6658, G replaced by A.
Molecular consequence: intron variant.
Genome position (GRCh38, 1-based): chr12:132,625,082, C>T on the plus strand (G>A on the coding strand, the complement: POLE is on the minus strand). VCF-style: chr12-132625082-C-T. GRCh37 (hg19) VCF-style: chr12-133201668-C-T.
Identifiers: ClinVar variation 677091 (VCV000677091.2), dbSNP rs5745079, ClinGen allele CA246285539.

ClinVar aggregate classification (germline): Likely benign. Review status: criteria provided, multiple submitters, no conflicts (2 of 4 stars). 2 submissions from 2 submitters: Likely benign (2). Last evaluated 2018-06-12.

Allele frequency attached by ClinVar (database versions not stated): gnomAD 0.00402 and 0.00433; TOPMed 0.00430; 1000 Genomes Project 0.00539; 1000 Genomes Project 30x 0.00593.

Submissions (2):

GeneDx
Classification: Likely benign. Last evaluated: 2018-06-12. Review status: criteria provided, single submitter. Criteria: GeneDx Variant Classification (06012015). Collection method: clinical testing. Allele origin: germline. Affected: yes.
Comment: This variant is considered likely benign or benign based on one or more of the following criteria: it is a conservative change, it occurs at a poorly conserved position in the protein, it is predicted to be benign by multiple in silico algorithms, and/or has population frequency not consistent with disease.

Breakthrough Genomics
Classification: Likely benign. Review status: criteria provided, single submitter. Criteria: ACMG Guidelines, 2015. Collection method: not provided. Allele origin: germline. Inheritance: Autosomal recessive inheritance. Affected: yes.